The following is an entry in ClinVar:

ClinVar aggregate classification (germline): Uncertain significance (1 of 4 stars; one submission).

Submission:

CeGaT Center for Human Genetics Tuebingen
Classification: Uncertain significance. Last evaluated: 2025-02-01. Review status: criteria provided, single submitter. Criteria: CeGaT Center For Human Genetics Tuebingen Variant Classification Criteria Version 2. Collection method: clinical testing. Allele origin: germline. Affected: yes. Observed: 1 variant allele.
Comment: MYH1: PM2, PP3

NM_005963.4(MYH1):c.2746A>G (p.Lys916Glu)

Genes: MYH1 (myosin heavy chain 1; minus strand), MYHAS (myosin heavy chain gene cluster antisense RNA; plus strand). Cytogenetic location: 17p13.1.
Variant type: single nucleotide variant.
Coding change: c.2746A>G on transcript NM_005963.4 (MANE Select); coding-DNA position 2746, A replaced by G.
Protein change: p.Lys916Glu; replaces lysine 916 with glutamic acid.
Molecular consequence: missense variant.
Genome position (GRCh38, 1-based): chr17:10,503,194, T>C on the plus strand (A>G on the coding strand, the complement: MYH1 is on the minus strand). VCF-style: chr17-10503194-T-C. GRCh37 (hg19) VCF-style: chr17-10406511-T-C.
Other names: short protein forms K916E.
Identifiers: ClinVar variation 3771202 (VCV003771202.13).
Genomic context (GRCh38, chr17:10,503,194, plus strand): 5'-TCTCTTCCTCATCCTCAGCTCTCTCAGTCACCTCTTTGATTTTGGCTTCTAGCTGGATTT[T>C]GGTTTTGATTAGCTGGTCACACCTTTCCTCTGCATCAGCCAAGCTGTCAGCTTCCTGAGA-3'
Protein context (NP_005954.3, residues 906-926): EERCDQLIKT[Lys916Glu]IQLEAKIKEV